The following is an entry in ClinVar:

ClinVar aggregate classification (germline): Uncertain significance (1 of 4 stars; one submission).

Allele frequency attached by ClinVar (database versions not stated): TOPMed below 0.00001; gnomAD 0.00001; gnomAD exomes 0.00001; ExAC 0.00002.
gnomAD v4.1: 10 of 1,613,378 alleles (0.00062%); highest among the groups gnomAD compares: South Asian, 0.0022%; no homozygotes.

Submission:

Labcorp Genetics (formerly Invitae), Labcorp
Classification: Uncertain significance. Last evaluated: 2023-11-19. Review status: criteria provided, single submitter. Criteria: Invitae Variant Classification Sherloc (09022015). Collection method: clinical testing. Allele origin: germline.
Comment: This sequence change replaces asparagine, which is neutral and polar, with aspartic acid, which is acidic and polar, at codon 333 of the ADGRA3 protein (p.Asn333Asp). This variant is present in population databases (rs776179924, gnomAD 0.003%). This variant has not been reported in the literature in individuals affected with ADGRA3-related conditions. An algorithm developed to predict the effect of missense changes on protein structure and function (PolyPhen-2) suggests that this variant is likely to be disruptive. In summary, the available evidence is currently insufficient to determine the role of this variant in disease. Therefore, it has been classified as a Variant of Uncertain Significance.

NM_145290.4(ADGRA3):c.997A>G (p.Asn333Asp)

Gene: ADGRA3 (adhesion G protein-coupled receptor A3; minus strand). Cytogenetic location: 4p15.2.
Variant type: single nucleotide variant.
Coding change: c.997A>G on transcript NM_145290.4 (MANE Select); coding-DNA position 997, A replaced by G.
Protein change: p.Asn333Asp; replaces asparagine 333 with aspartic acid.
Molecular consequence: missense variant.
Genome position (GRCh38, 1-based): chr4:22,438,344, T>C on the plus strand (A>G on the coding strand, the complement: ADGRA3 is on the minus strand). VCF-style: chr4-22438344-T-C. GRCh37 (hg19) VCF-style: chr4-22439967-T-C.
Other names: short protein forms N333D.
Identifiers: ClinVar variation 2900224 (VCV002900224.3), dbSNP rs776179924, ClinGen allele CA2874079.
Genomic context (GRCh38, chr4:22,438,344, plus strand): 5'-TCTCTGGAGGACAGTACTGTGCAGAACTCTCTAATACCACAATATCCACAGTCCTCGTAT[T>C]ATTCCCACGTTTGGTCTGGACATGACAGCCCCAATTTCCAGTAGATCCAGCCTGAATATT-3'
Protein context (NP_660333.2, residues 323-343): GCHVQTKRGN[Asn333Asp]TRTVDIVVLE